The following is an entry in ClinVar:

NM_016616.5(NME8):c.457G>T (p.Glu153Ter)

Gene: NME8 (NME/NM23 family member 8; plus strand). Cytogenetic location: 7p14.1.
Variant type: single nucleotide variant.
Coding change: c.457G>T on transcript NM_016616.5 (MANE Select); coding-DNA position 457, G replaced by T.
Protein change: p.Glu153Ter; replaces glutamic acid 153 with a stop codon.
Molecular consequence: nonsense.
Genome position (GRCh38, 1-based): chr7:37,864,350, G>T. VCF-style: chr7-37864350-G-T. GRCh37 (hg19) VCF-style: chr7-37903952-G-T.
Other names: short protein forms E153*.
Identifiers: ClinVar variation 2089694 (VCV002089694.4), dbSNP rs981266761, ClinGen allele CA157153901.

ClinVar aggregate classification (germline): Uncertain significance (1 of 4 stars; one submission).

Conditions:
Primary ciliary dyskinesia 6. Also called: Primary Ciliary Dyskinesia 6: TXNDC3-Related Primary Ciliary Dyskinesia. Identifiers: Orphanet 244, MedGen C1970506, MONDO:0012571, OMIM 610852.

Submission:

Labcorp Genetics (formerly Invitae), Labcorp
Classification: Uncertain significance for Primary ciliary dyskinesia 6. Last evaluated: 2022-09-27. Review status: criteria provided, single submitter. Criteria: Invitae Variant Classification Sherloc (09022015). Collection method: clinical testing. Allele origin: germline.
Comment: This variant is not present in population databases (gnomAD no frequency). In summary, the available evidence is currently insufficient to determine the role of this variant in disease. Therefore, it has been classified as a Variant of Uncertain Significance. This variant has not been reported in the literature in individuals affected with NME8-related conditions. This sequence change creates a premature translational stop signal (p.Glu153*) in the NME8 gene. It is expected to result in an absent or disrupted protein product. However, the current clinical and genetic evidence is not sufficient to establish whether loss-of-function variants in NME8 cause disease.